The following is an entry in ClinVar:

ClinVar aggregate classification (germline): Pathogenic/Likely pathogenic. Review status: criteria provided, multiple submitters, no conflicts (2 of 4 stars). 2 submissions from 2 submitters: Pathogenic (1); Likely pathogenic (1). Last evaluated 2024-05-20.

Conditions:
Hereditary cancer-predisposing syndrome. Also called: Tumor predisposition; Neoplastic Syndromes, Hereditary; Hereditary neoplastic syndrome; Hereditary Cancer Syndrome. Identifiers: Orphanet 140162, MedGen C0027672, MeSH D009386, MONDO:0015356.
Retinoblastoma (RB1). Also called: RETINOBLASTOMA, SOMATIC. Identifiers: Orphanet 790, MedGen C0035335, MeSH D012175, MONDO:0008380, OMIM 180200, HP:0009919. Disease mechanism: loss of function. Inheritance: Both sporadic and heritable forms are tested..

Submissions (2):

Genetic Diagnostic Laboratory, University of Pennsylvania School of Medicine
Classification: Pathogenic for Retinoblastoma. Last evaluated: 2024-05-20. Review status: criteria provided, single submitter. Criteria: ACMG Guidelines, 2015. Collection method: clinical testing. Allele origin: germline. Affected: yes. Observed: 2 variant alleles.
Comment: Case and Pedigree Information: BILATERAL CASES:2, UNILATERAL CASES:0, TOTAL CASES:2, PEDIGREES:2. ACMG Codes Applied:PVS1, PM2

Women's Health and Genetics/Laboratory Corporation of America, LabCorp
Classification: Likely pathogenic for Hereditary cancer-predisposing syndrome. Last evaluated: 2017-01-25. Review status: criteria provided, single submitter. Criteria: LabCorp Variant Classification Summary - May 2015. Collection method: clinical testing. Allele origin: germline.
Comment: Variant summary: The RB1 c.1411C>T (p.Gln471X) variant results in a premature termination codon, predicted to cause a truncated or absent RB1 protein due to nonsense mediated decay (NMD), which are commonly known mechanisms for disease. If this variant escapes NMD, it is expected to truncate Retinoblastoma-associated protein, A-box, Retinoblastoma-associated protein, B-box and Retinoblastoma-associated protein, C-terminal (via InterPro). Truncations downstream of this position have been classified as pathogenic clinical laboratories in ClinVar (e.g. p.Gln504Ter, p.Trp563Ter, p.Gln850Ter, etc.). This variant is absent in 24618 control chromosomes from ExAC. This variant has been reported in cell lines of one patient with acral melanoma in a published study (Bloethner_2008). In addition, in LOVD-RB database, this variant is reported as a germline variant in one RB patient and as a somatic variant in two RB patients. One reputable database (LOVD-RB) concludes its pathogenicity as pathogenic. Taken together, this variant is currently classified as likely pathogenic.

NM_000321.3(RB1):c.1411C>T (p.Gln471Ter)

Gene: RB1 (RB transcriptional corepressor 1; plus strand). Cytogenetic location: 13q14.2.
Variant type: single nucleotide variant.
Coding change: c.1411C>T on transcript NM_000321.3 (MANE Select); coding-DNA position 1411, C replaced by T.
Protein change: p.Gln471Ter; replaces glutamine 471 with a stop codon.
Molecular consequence: nonsense.
Genome position (GRCh38, 1-based): chr13:48,380,074, C>T. VCF-style: chr13-48380074-C-T. GRCh37 (hg19) VCF-style: chr13-48954210-C-T.
Other names: short protein forms Q471*.
Identifiers: ClinVar variation 495818 (VCV000495818.2), dbSNP rs1354030520, ClinGen allele CA388162715.